The following is an entry in ClinVar:

NM_001122769.3(LCA5):c.77A>C (p.Asp26Ala)

Gene: LCA5 (lebercilin LCA5; minus strand). Cytogenetic location: 6q14.1.
Variant type: single nucleotide variant.
Coding change: c.77A>C on transcript NM_001122769.3 (MANE Select); coding-DNA position 77, A replaced by C.
Protein change: p.Asp26Ala; replaces aspartic acid 26 with alanine.
Molecular consequence: missense variant.
Genome position (GRCh38, 1-based): chr6:79,518,818, T>G on the plus strand (A>C on the coding strand, the complement: LCA5 is on the minus strand). VCF-style: chr6-79518818-T-G. GRCh37 (hg19) VCF-style: chr6-80228535-T-G.
Other names: c.77A>C, p.Asp26Ala (NM_181714.4); short protein forms D26A.
Identifiers: ClinVar variation 167257 (VCV000167257.30), dbSNP rs34068461, ClinGen allele CA180171.

ClinVar aggregate classification (germline): Benign. Review status: criteria provided, multiple submitters, no conflicts (2 of 4 stars). 6 submissions from 6 submitters: Benign (5). 1 of the submissions does not count toward it. Last evaluated 2026-02-04.

Conditions:
Leber congenital amaurosis 5 (LCA5). Also called: Amaurosis congenita of Leber, type 5. Identifiers: Orphanet 65, MedGen C1858301, MONDO:0011473, OMIM 604537.

Allele frequency attached by ClinVar (database versions not stated): gnomAD 0.15213 and 0.14840; ExAC 0.18347; ESP Exome Variant Server 0.14586; 1000 Genomes Project 0.17312; gnomAD exomes 0.18393 and 0.19012; 1000 Genomes Project 30x 0.17192; TOPMed 0.15344.
gnomAD v4.1: 300,447 of 1,613,788 alleles (19%); highest among the groups gnomAD compares: East Asian, 22%; 28,988 homozygotes.

Submissions (6):

Labcorp Genetics (formerly Invitae), Labcorp
Classification: Benign. Last evaluated: 2026-02-04. Review status: criteria provided, single submitter. Criteria: Invitae Variant Classification Sherloc (09022015). Collection method: clinical testing. Allele origin: germline.

Genome-Nilou Lab
Classification: Benign for Leber congenital amaurosis 5. Last evaluated: 2021-07-10. Review status: criteria provided, single submitter. Criteria: ACMG Guidelines, 2015. Collection method: clinical testing. Allele origin: germline. Affected: no.

GeneDx
Classification: Benign. Last evaluated: 2019-03-29. Review status: criteria provided, single submitter. Criteria: GeneDx Variant Classification Process June 2021. Collection method: clinical testing. Allele origin: germline. Affected: yes.

Illumina Laboratory Services, Illumina
Classification: Benign for Leber congenital amaurosis 5. Last evaluated: 2018-01-13. Review status: criteria provided, single submitter. Criteria: ICSL Variant Classification Criteria 13 December 2019. Collection method: clinical testing. Allele origin: germline.
Comment: This variant was observed in the ICSL laboratory as part of a predisposition screen in an ostensibly healthy population. It had not been previously curated by ICSL or reported in the Human Gene Mutation Database (HGMD: prior to June 1st, 2018), and was therefore a candidate for classification through an automated scoring system. Utilizing variant allele frequency, disease prevalence and penetrance estimates, and inheritance mode, an automated score was calculated to assess if this variant is too frequent to cause the disease. Based on the score and internal cut-off values, a variant classified as benign is not then subjected to further curation. The score for this variant resulted in a classification of benign for this disease.

Eurofins Ntd Llc (ga)
Classification: Benign. Last evaluated: 2014-02-05. Review status: criteria provided, single submitter. Criteria: EGL Classification Definitions 2015. Collection method: clinical testing. Allele origin: germline. Observed: 2 variant alleles, 1 heterozygote, 1 homozygote.

Natera, Inc.
Classification: Benign for Leber congenital amaurosis type 5. Last evaluated: 2019-11-20. Review status: no assertion criteria provided. Collection method: clinical testing. Allele origin: germline. Not counted in ClinVar's aggregate classification.